The following is an entry in ClinVar:

ClinVar aggregate classification (germline): Uncertain significance. Review status: criteria provided, single submitter (1 of 4 stars). 2 submissions from 2 submitters: Uncertain significance (1). 1 of the submissions does not count toward it. Last evaluated 2023-12-11.

Conditions:
SETBP1-related disorder. Also called: SETBP1-related condition; SETBP1-related disorders.

Submissions (2):

Labcorp Genetics (formerly Invitae), Labcorp
Classification: Uncertain significance. Last evaluated: 2023-12-11. Review status: criteria provided, single submitter. Criteria: Invitae Variant Classification Sherloc (09022015). Collection method: clinical testing. Allele origin: germline.
Comment: This sequence change replaces glutamic acid, which is acidic and polar, with lysine, which is basic and polar, at codon 1593 of the SETBP1 protein (p.Glu1593Lys). This variant is not present in population databases (gnomAD no frequency). This variant has not been reported in the literature in individuals affected with SETBP1-related conditions. ClinVar contains an entry for this variant (Variation ID: 1721399). An algorithm developed to predict the effect of missense changes on protein structure and function (PolyPhen-2) suggests that this variant is likely to be tolerated. In summary, the available evidence is currently insufficient to determine the role of this variant in disease. Therefore, it has been classified as a Variant of Uncertain Significance.

PreventionGenetics, part of Exact Sciences
Classification: Uncertain significance for SETBP1-related condition. Last evaluated: 2024-06-21. Review status: no assertion criteria provided. Collection method: clinical testing. Allele origin: germline. Not counted in ClinVar's aggregate classification.
Comment: The SETBP1 c.4777G>A variant is predicted to result in the amino acid substitution p.Glu1593Lys. To our knowledge, this variant has not been reported in the literature or in a large population database, indicating this variant is rare. At this time, the clinical significance of this variant is uncertain due to the absence of conclusive functional and genetic evidence.

NM_015559.3(SETBP1):c.4777G>A (p.Glu1593Lys)

Gene: SETBP1 (SET binding protein 1; plus strand). Cytogenetic location: 18q12.3.
Variant type: single nucleotide variant.
Coding change: c.4777G>A on transcript NM_015559.3 (MANE Select); coding-DNA position 4777, G replaced by A.
Protein change: p.Glu1593Lys; replaces glutamic acid 1593 with lysine.
Molecular consequence: missense variant.
Genome position (GRCh38, 1-based): chr18:45,063,684, G>A. VCF-style: chr18-45063684-G-A. GRCh37 (hg19) VCF-style: chr18-42643649-G-A.
Other names: c.4777G>A, p.Glu1593Lys (NM_001379141.1, NM_001379142.1); c.4606G>A, p.Glu1536Lys (NM_001410862.1); c.4777G>A (NM_015559.2); short protein forms E1536K, E1593K.
Identifiers: ClinVar variation 1721399 (VCV001721399.6), dbSNP rs1323383229, ClinGen allele CA402484136.
Genomic context (GRCh38, chr18:45,063,684, plus strand): 5'-CTTCCCCAGGAAGAGGAGGTGAAAGCCAAAAGGCAGAGGAAGTCCCGAGGGAGTGAGAGC[G>A]AGGTCCTTCCCTAGGGCGGGTCTGGGCGTCTGCACCTGGGGCCTAGGGAACTGACACGTG-3'
Protein context (NP_056374.2, residues 1583-1596): RQRKSRGSES[Glu1593Lys]VLP